The following is an entry in ClinVar:

NM_002317.7(LOX):c.631+6T>G

Genes: LOX (lysyl oxidase; minus strand), SRFBP1 (serum response factor binding protein 1; plus strand). Cytogenetic location: 5q23.1.
Variant type: single nucleotide variant.
Coding change: c.631+6T>G on transcript NM_002317.7 (MANE Select); 6 bases into the intron after coding-DNA position 631, T replaced by G.
Molecular consequence: intron variant.
Genome position (GRCh38, 1-based): chr5:122,077,349, A>C on the plus strand (T>G on the coding strand, the complement: LOX is on the minus strand). VCF-style: chr5-122077349-A-C. GRCh37 (hg19) VCF-style: chr5-121413044-A-C.
Identifiers: ClinVar variation 2691303 (VCV002691303.4), dbSNP rs2532916181, ClinGen allele CA2578388609.

ClinVar aggregate classification (germline): Uncertain significance. Review status: criteria provided, multiple submitters, no conflicts (2 of 4 stars). 2 submissions from 2 submitters: Uncertain significance (2). Last evaluated 2025-05-12.

Submissions (2):

Labcorp Genetics (formerly Invitae), Labcorp
Classification: Uncertain significance. Last evaluated: 2025-05-12. Review status: criteria provided, single submitter. Criteria: Invitae Variant Classification Sherloc (09022015). Collection method: clinical testing. Allele origin: germline.
Comment: This sequence change falls in intron 1 of the LOX gene. It does not directly change the encoded amino acid sequence of the LOX protein. It affects a nucleotide within the consensus splice site. This variant is not present in population databases (gnomAD no frequency). This variant has not been reported in the literature in individuals affected with LOX-related conditions. ClinVar contains an entry for this variant (Variation ID: 2691303). Variants that disrupt the consensus splice site are a relatively common cause of aberrant splicing (PMID: 17576681, 9536098). Algorithms developed to predict the effect of sequence changes on RNA splicing suggest that this variant is not likely to affect RNA splicing. In summary, the available evidence is currently insufficient to determine the role of this variant in disease. Therefore, it has been classified as a Variant of Uncertain Significance.

Women's Health and Genetics/Laboratory Corporation of America, LabCorp
Classification: Uncertain significance. Last evaluated: 2023-12-17. Review status: criteria provided, single submitter. Criteria: LabCorp Variant Classification Summary - May 2015. Collection method: clinical testing. Allele origin: germline.

Literature cited by the submitters: PubMed 17576681 (cited by Labcorp Genetics (formerly Invitae), Labcorp); PubMed 9536098 (cited by Labcorp Genetics (formerly Invitae), Labcorp).